The following is an entry in ClinVar:

ClinVar aggregate classification (germline): Uncertain significance (1 of 4 stars; one submission).

Conditions:
Bloom syndrome (BLM). Also called: Bloom-Torre-Machacek syndrome. Identifiers: Orphanet 125, MedGen C0005859, MONDO:0008876, OMIM 210900.

Allele frequency attached by ClinVar (database versions not stated): gnomAD exomes below 0.00001.
gnomAD v4.1: 2 of 1,613,192 alleles (0.00012%); highest among the groups gnomAD compares: Non-Finnish European, 0.00017%; no homozygotes.

Submission:

Labcorp Genetics (formerly Invitae), Labcorp
Classification: Uncertain significance for Bloom syndrome. Last evaluated: 2023-09-25. Review status: criteria provided, single submitter. Criteria: Invitae Variant Classification Sherloc (09022015). Collection method: clinical testing. Allele origin: germline.
Comment: In summary, the available evidence is currently insufficient to determine the role of this variant in disease. Therefore, it has been classified as a Variant of Uncertain Significance. Advanced modeling of protein sequence and biophysical properties (such as structural, functional, and spatial information, amino acid conservation, physicochemical variation, residue mobility, and thermodynamic stability) performed at Invitae indicates that this missense variant is not expected to disrupt BLM protein function. ClinVar contains an entry for this variant (Variation ID: 648119). This variant has not been reported in the literature in individuals affected with BLM-related conditions. This variant is not present in population databases (gnomAD no frequency). This sequence change replaces arginine, which is basic and polar, with serine, which is neutral and polar, at codon 1108 of the BLM protein (p.Arg1108Ser).

NM_000057.4(BLM):c.3324A>T (p.Arg1108Ser)

Gene: BLM (BLM RecQ like helicase; plus strand). Cytogenetic location: 15q26.1.
Variant type: single nucleotide variant.
Coding change: c.3324A>T on transcript NM_000057.4 (MANE Select); coding-DNA position 3324, A replaced by T.
Protein change: p.Arg1108Ser; replaces arginine 1108 with serine.
Molecular consequence: missense variant.
Genome position (GRCh38, 1-based): chr15:90,798,303, A>T. VCF-style: chr15-90798303-A-T. GRCh37 (hg19) VCF-style: chr15-91341533-A-T.
Other names: c.3324A>T, p.Arg1108Ser (NM_001287246.2, NM_001287247.2); c.2199A>T, p.Arg733Ser (NM_001287248.2); short protein forms R733S, R1108S.
Identifiers: ClinVar variation 648119 (VCV000648119.11), dbSNP rs1596263375, ClinGen allele CA393847337.